The following is an entry in ClinVar:

NM_001276351.2(C1orf141):c.1017_1021del (p.Met340fs)

Gene: C1orf141 (chromosome 1 open reading frame 141; minus strand). Cytogenetic location: 1p31.3.
Variant type: Deletion.
Coding change: c.1017_1021del on transcript NM_001276351.2 (MANE Select); coding-DNA positions 1017 to 1021, 5 bases deleted (AATGA; older notation c.1017_1021delAATGA).
Protein change: p.Met340fs; shifts the reading frame from methionine 340.
Molecular consequence: frameshift variant. On other transcripts: 3 prime UTR variant (1), non-coding transcript variant (1).
Genome position (GRCh38, 1-based): chr1:67,093,187-67,093,191, TCATT deleted on the plus strand (AATGA on the coding strand, the reverse complement: C1orf141 is on the minus strand); deleting any 5 consecutive bases within chr1:67,093,187-67,093,195 gives the same sequence; the c. name uses the placement nearest the transcript's 3' end. VCF-style (leftmost placement, unchanged base first): chr1-67093186-CTCATT-C. GRCh37 (hg19) VCF-style: chr1-67558869-CTCATT-C.
Other names: c.*389_*393del (NM_001276352.2); short protein forms M340fs.
Identifiers: ClinVar variation 778232 (VCV000778232.27), dbSNP rs200104842, ClinGen allele CA899271.

ClinVar aggregate classification (germline): Benign/Likely benign. Review status: criteria provided, multiple submitters, no conflicts (2 of 4 stars). 2 submissions from 2 submitters: Benign (1); Likely benign (1). Last evaluated 2022-12-01.

Submissions (2):

CeGaT Center for Human Genetics Tuebingen
Classification: Likely benign. Last evaluated: 2022-12-01. Review status: criteria provided, single submitter. Criteria: CeGaT Center For Human Genetics Tuebingen Variant Classification Criteria Version 2. Collection method: clinical testing. Allele origin: germline. Affected: yes. Observed: 1 variant allele.
Comment: C1orf141: BS2

Labcorp Genetics (formerly Invitae), Labcorp
Classification: Benign. Last evaluated: 2018-04-02. Review status: criteria provided, single submitter. Criteria: Invitae Variant Classification Sherloc (09022015). Collection method: clinical testing. Allele origin: germline.